The following is an entry in ClinVar:

ClinVar aggregate classification (germline): Uncertain significance. Review status: criteria provided, multiple submitters, no conflicts (2 of 4 stars). 6 submissions from 6 submitters: Uncertain significance (5). 1 of the submissions does not count toward it. Last evaluated 2024-06-18.

Conditions:
Inborn genetic diseases. Identifiers: MedGen C0950123, MeSH D030342.
RIN2-related disorder. Also called: RIN2-related condition.
RIN2 syndrome. Also called: TALL FOREHEAD, SPARSE HAIR, SKIN HYPEREXTENSIBILITY, AND SCOLIOSIS; MACS SYNDROME. Identifiers: Orphanet 217335, MedGen C2751321, MONDO:0013115, OMIM 613075.

Allele frequency attached by ClinVar (database versions not stated): 1000 Genomes Project 30x 0.00016; ESP Exome Variant Server 0.00025; gnomAD 0.00030 and 0.00031; TOPMed 0.00034.
gnomAD v4.1: 874 of 1,614,004 alleles (0.054%); highest among the groups gnomAD compares: South Asian, 0.094%; 2 homozygotes.

Submissions (6):

GeneDx
Classification: Uncertain significance. Last evaluated: 2024-06-18. Review status: criteria provided, single submitter. Criteria: GeneDx Variant Classification Process June 2021. Collection method: clinical testing. Allele origin: germline. Affected: yes.
Comment: Has not been previously published as pathogenic or benign to our knowledge; In silico analysis supports that this missense variant has a deleterious effect on protein structure/function

CeGaT Center for Human Genetics Tuebingen
Classification: Uncertain significance. Last evaluated: 2023-11-01. Review status: criteria provided, single submitter. Criteria: CeGaT Center For Human Genetics Tuebingen Variant Classification Criteria Version 2. Collection method: clinical testing. Allele origin: germline. Affected: yes. Observed: 1 variant allele.

Labcorp Genetics (formerly Invitae), Labcorp
Classification: Uncertain significance. Last evaluated: 2022-10-13. Review status: criteria provided, single submitter. Criteria: Invitae Variant Classification Sherloc (09022015). Collection method: clinical testing. Allele origin: germline.
Comment: This sequence change replaces asparagine, which is neutral and polar, with isoleucine, which is neutral and non-polar, at codon 266 of the RIN2 protein (p.Asn266Ile). This variant is present in population databases (rs201551000, gnomAD 0.1%), including at least one homozygous and/or hemizygous individual. This variant has not been reported in the literature in individuals affected with RIN2-related conditions. ClinVar contains an entry for this variant (Variation ID: 421543). Algorithms developed to predict the effect of missense changes on protein structure and function are either unavailable or do not agree on the potential impact of this missense change (SIFT: "Deleterious"; PolyPhen-2: "Not Available"; Align-GVGD: "Class C0"). In summary, the available evidence is currently insufficient to determine the role of this variant in disease. Therefore, it has been classified as a Variant of Uncertain Significance.

Revvity Omics, Revvity
Classification: Uncertain significance for RIN2 syndrome. Last evaluated: 2021-11-01. Review status: criteria provided, single submitter. Criteria: ACMG Guidelines, 2015. Collection method: clinical testing. Allele origin: germline.

Ambry Genetics
Classification: Uncertain significance for Inborn genetic diseases. Last evaluated: 2021-10-26. Review status: criteria provided, single submitter. Criteria: Ambry Variant Classification Scheme 2023. Collection method: clinical testing. Allele origin: germline.

PreventionGenetics, part of Exact Sciences
Classification: Uncertain significance for RIN2-related condition. Last evaluated: 2024-02-02. Review status: no assertion criteria provided. Collection method: clinical testing. Allele origin: germline. Not counted in ClinVar's aggregate classification.
Comment: The RIN2 c.944A>T variant is predicted to result in the amino acid substitution p.Asn315Ile. To our knowledge, this variant has not been reported in the literature. This variant is reported in 0.098% of alleles in individuals of South Asian descent in gnomAD. Although we suspect that this variant may be benign, at this time, the clinical significance of this variant is uncertain due to the absence of conclusive functional and genetic evidence.

NM_018993.4(RIN2):c.797A>T (p.Asn266Ile)

Gene: RIN2 (Ras and Rab interactor 2; plus strand). Cytogenetic location: 20p11.23.
Variant type: single nucleotide variant.
Coding change: c.797A>T on transcript NM_018993.4 (MANE Select); coding-DNA position 797, A replaced by T.
Protein change: p.Asn266Ile; replaces asparagine 266 with isoleucine.
Molecular consequence: missense variant.
Genome position (GRCh38, 1-based): chr20:19,974,822, A>T. VCF-style: chr20-19974822-A-T. GRCh37 (hg19) VCF-style: chr20-19955466-A-T.
Other names: c.944A>T, p.Asn315Ile (NM_001242581.2); c.179A>T, p.Asn60Ile (NM_001378238.1); c.944A>T (NM_001242581.1); short protein forms N266I, N315I, N60I.
Identifiers: ClinVar variation 421543 (VCV000421543.34), dbSNP rs201551000, ClinGen allele CA9779932.